The following is an entry in ClinVar:

NM_005432.4(XRCC3):c.220C>T (p.Arg74Trp)

Gene: XRCC3 (X-ray repair cross complementing 3; minus strand). Cytogenetic location: 14q32.33.
Variant type: single nucleotide variant.
Coding change: c.220C>T on transcript NM_005432.4 (MANE Select); coding-DNA position 220, C replaced by T.
Protein change: p.Arg74Trp; replaces arginine 74 with tryptophan.
Molecular consequence: missense variant.
Genome position (GRCh38, 1-based): chr14:103,707,189, G>A on the plus strand (C>T on the coding strand, the complement: XRCC3 is on the minus strand). VCF-style: chr14-103707189-G-A. GRCh37 (hg19) VCF-style: chr14-104173526-G-A.
Other names: c.220C>T, p.Arg74Trp (NM_001100118.2, NM_001100119.2, NM_001371229.1 and 2 more transcripts); short protein forms R74W.
Identifiers: ClinVar variation 1336818 (VCV001336818.6), dbSNP rs1250428018, ClinGen allele CA391138513.

ClinVar aggregate classification (germline): Uncertain significance. Review status: criteria provided, multiple submitters, no conflicts (2 of 4 stars). 2 submissions from 2 submitters: Uncertain significance (2). Last evaluated 2022-08-01.

Allele frequency attached by ClinVar (database versions not stated): gnomAD 0.00001; gnomAD exomes 0.00001; TOPMed below 0.00001.
gnomAD v4.1: 4 of 1,548,868 alleles (0.00026%); highest among the groups gnomAD compares: Admixed American, 0.0039%; no homozygotes.

Submissions (2):

Ambry Genetics
Classification: Uncertain significance. Last evaluated: 2022-08-01. Review status: criteria provided, single submitter. Criteria: Ambry Variant Classification Scheme 2023. Collection method: clinical testing. Allele origin: germline.

Genetic Services Laboratory, University of Chicago
Classification: Uncertain significance. Last evaluated: 2020-03-16. Review status: criteria provided, single submitter. Criteria: ACMG Guidelines, 2015. Collection method: clinical testing. Allele origin: germline. Affected: no.
Comment: DNA sequence analysis of the XRCC3 gene demonstrated a sequence change, c.220C>T, in exon 6 that results in an amino acid change, p.Arg74Trp. This sequence change does not appear to have been previously described in patients with XRCC3-related disorders and has been described in the gnomAD database in one individual (dbSNP rs1250428018). The p.Arg74Trp change affects a poorly conserved amino acid residue located in a domain of the XRCC3 protein that is known to be functional. In-silico pathogenicity prediction tools (SIFT, PolyPhen2, Align GVGD, REVEL) provide contradictory results for the p.Arg74Trp substitution. Due to these contrasting evidences and the lack of functional studies, the clinical significance of the p.Arg74Trp change remains unknown at this time.